The following is an entry in ClinVar:

ClinVar aggregate classification (germline): Likely benign. Review status: criteria provided, multiple submitters, no conflicts (2 of 4 stars). 3 submissions from 3 submitters: Likely benign (3). Last evaluated 2026-01-28.

Conditions:
Duchenne muscular dystrophy (DMD). Also called: MUSCULAR DYSTROPHY, PSEUDOHYPERTROPHIC PROGRESSIVE, DUCHENNE TYPE; Duchenne Muscular Dystrophy (DMD). Identifiers: Orphanet 98896, MedGen C0013264, MONDO:0010679, OMIM 310200.

Allele frequency attached by ClinVar (database versions not stated): gnomAD 0.00001; gnomAD exomes 0.00001; TOPMed 0.00001.
gnomAD v4.1: 11 of 1,208,253 alleles (0.00091%); highest among the groups gnomAD compares: Non-Finnish European, 0.0012%; no homozygotes.

Submissions (3):

Labcorp Genetics (formerly Invitae), Labcorp
Classification: Likely benign for Duchenne muscular dystrophy. Last evaluated: 2026-01-28. Review status: criteria provided, single submitter. Criteria: Invitae Variant Classification Sherloc (09022015). Collection method: clinical testing. Allele origin: germline.

Blueprint Genetics
Classification: Likely benign. Last evaluated: 2021-09-29. Review status: criteria provided, single submitter. Criteria: ACMG Guidelines, 2015. Collection method: clinical testing. Allele origin: germline.

GeneDx
Classification: Likely benign. Last evaluated: 2016-11-17. Review status: criteria provided, single submitter. Criteria: GeneDx Variant Classification (06012015). Collection method: clinical testing. Allele origin: germline. Affected: yes.
Comment: This variant is considered likely benign or benign based on one or more of the following criteria: it is a conservative change, it occurs at a poorly conserved position in the protein, it is predicted to be benign by multiple in silico algorithms, and/or has population frequency not consistent with disease.

NM_004006.3(DMD):c.6439-4A>G

Gene: DMD (dystrophin; minus strand). Cytogenetic location: Xp21.1.
Variant type: single nucleotide variant.
Coding change: c.6439-4A>G on transcript NM_004006.3 (MANE Select); 4 bases into the intron before coding-DNA position 6439, A replaced by G.
Molecular consequence: intron variant.
Genome position (GRCh38, 1-based): chrX:31,968,518, T>C on the plus strand (A>G on the coding strand, the complement: DMD is on the minus strand). VCF-style: chrX-31968518-T-C. GRCh37 (hg19) VCF-style: chrX-31986635-T-C.
Other names: c.6415-4A>G (NM_000109.4); c.2416-4A>G (NM_004011.4); c.2407-4A>G (NM_004012.4); c.-942-4A>G (NM_004023.3, NM_004020.4, NM_004022.3 and 2 more transcripts); c.6427-4A>G (NM_004009.3); c.6070-4A>G (NM_004010.3).
Identifiers: ClinVar variation 390835 (VCV000390835.11), dbSNP rs1057523900, ClinGen allele CA16608836.
Genomic context (GRCh38, chrX:31,968,518, plus strand): 5'-AGTTGCATTCAATGTTCTGACAACAGTTTGCCGCTGCCCAATGCCATCCTGGAGTTCCTG[T>C]AAGATACCAAAAAGGCAAAACAAAAATGAAGCCCCATGTCTTTTTATTTGAGAAAAGATT-3'